The following is an entry in ClinVar:

NM_013254.4(TBK1):c.127A>G (p.Ile43Val)

Gene: TBK1 (TANK binding kinase 1; plus strand). Cytogenetic location: 12q14.2.
Variant type: single nucleotide variant.
Coding change: c.127A>G on transcript NM_013254.4 (MANE Select); coding-DNA position 127, A replaced by G.
Protein change: p.Ile43Val; replaces isoleucine 43 with valine.
Molecular consequence: missense variant.
Genome position (GRCh38, 1-based): chr12:64,460,228, A>G. VCF-style: chr12-64460228-A-G. GRCh37 (hg19) VCF-style: chr12-64854008-A-G.
Other names: short protein forms I43V.
Identifiers: ClinVar variation 4798712 (VCV004798712.1).

ClinVar aggregate classification (germline): Uncertain significance (1 of 4 stars; one submission).

Conditions:
Frontotemporal dementia and/or amyotrophic lateral sclerosis 4. Also called: FTDALS4. Identifiers: Orphanet 275872, MedGen C4225325, MONDO:0014641, OMIM 616439.

Submission:

Labcorp Genetics (formerly Invitae), Labcorp
Classification: Uncertain significance for Frontotemporal dementia and/or amyotrophic lateral sclerosis 4. Last evaluated: 2025-12-01. Review status: criteria provided, single submitter. Criteria: Invitae Variant Classification Sherloc (09022015). Collection method: clinical testing. Allele origin: germline.
Comment: This sequence change replaces isoleucine, which is neutral and non-polar, with valine, which is neutral and non-polar, at codon 43 of the TBK1 protein (p.Ile43Val). This variant is not present in population databases (gnomAD no frequency). This missense change has been observed in individuals with clinical features of TBK1-related conditions (PMID: 26804609; internal data). Invitae Evidence Modeling of protein sequence and biophysical properties (such as structural, functional, and spatial information, amino acid conservation, physicochemical variation, residue mobility, and thermodynamic stability) indicates that this missense variant is not expected to disrupt TBK1 protein function with a negative predictive value of 95%. Experimental studies have shown that this missense change does not substantially affect TBK1 function (PMID: 26804609). In summary, the available evidence is currently insufficient to determine the role of this variant in disease. Therefore, it has been classified as a Variant of Uncertain Significance.

Literature cited by the submitters: PubMed 26804609.